The following is an entry in ClinVar:

NM_002336.3(LRP6):c.3406C>T (p.Arg1136Trp)

Gene: LRP6 (LDL receptor related protein 6; minus strand). Cytogenetic location: 12p13.2.
Variant type: single nucleotide variant.
Coding change: c.3406C>T on transcript NM_002336.3 (MANE Select); coding-DNA position 3406, C replaced by T.
Protein change: p.Arg1136Trp; replaces arginine 1136 with tryptophan.
Molecular consequence: missense variant.
Genome position (GRCh38, 1-based): chr12:12,138,526, G>A on the plus strand (C>T on the coding strand, the complement: LRP6 is on the minus strand). VCF-style: chr12-12138526-G-A. GRCh37 (hg19) VCF-style: chr12-12291460-G-A.
Other names: short protein forms R1136W.
Identifiers: ClinVar variation 1255586 (VCV001255586.9), dbSNP rs140962861, ClinGen allele CA6455200.

ClinVar aggregate classification (germline): Uncertain significance. Review status: criteria provided, multiple submitters, no conflicts (2 of 4 stars). 3 submissions from 3 submitters: Uncertain significance (2). 1 of the submissions does not count toward it. Last evaluated 2025-12-19.

Conditions:
Tooth agenesis, selective, 7 (STHAG7). Identifiers: Orphanet 99798, MedGen C4225231, MONDO:0014749, OMIM 616724.
Autosomal dominant polycystic kidney disease. Identifiers: Orphanet 730, MedGen C0085413, MONDO:0004691.

Allele frequency attached by ClinVar (database versions not stated): ESP Exome Variant Server 0.00008; TOPMed 0.00015; gnomAD 0.00016 and 0.00017; gnomAD exomes 0.00016 and 0.00021; ExAC 0.00017.
gnomAD v4.1: 324 of 1,613,302 alleles (0.02%); highest among the groups gnomAD compares: Non-Finnish European, 0.025%; no homozygotes.

Submissions (3):

Labcorp Genetics (formerly Invitae), Labcorp
Classification: Uncertain significance. Last evaluated: 2025-12-19. Review status: criteria provided, single submitter. Criteria: Invitae Variant Classification Sherloc (09022015). Collection method: clinical testing. Allele origin: germline.
Comment: This sequence change replaces arginine, which is basic and polar, with tryptophan, which is neutral and slightly polar, at codon 1136 of the LRP6 protein (p.Arg1136Trp). This variant is present in population databases (rs140962861, gnomAD 0.03%), and has an allele count higher than expected for a pathogenic variant. This variant has not been reported in the literature in individuals affected with LRP6-related conditions. ClinVar contains an entry for this variant (Variation ID: 1255586). Invitae Evidence Modeling of protein sequence and biophysical properties (such as structural, functional, and spatial information, amino acid conservation, physicochemical variation, residue mobility, and thermodynamic stability) indicates that this missense variant is expected to disrupt LRP6 protein function with a positive predictive value of 80%. In summary, the available evidence is currently insufficient to determine the role of this variant in disease. Therefore, it has been classified as a Variant of Uncertain Significance.

Revvity Omics, Revvity
Classification: Uncertain significance for Tooth agenesis, selective, 7. Last evaluated: 2019-01-15. Review status: criteria provided, single submitter. Criteria: ACMG Guidelines, 2015. Collection method: clinical testing. Allele origin: germline.

Laboratory of Gastroenterology and Hepatology, Radboud University Medical Center
Classification: Uncertain significance for Autosomal dominant polycystic kidney disease. Last evaluated: 2021-09-01. Review status: no assertion criteria provided. Collection method: research. Allele origin: germline. Affected: yes. Not counted in ClinVar's aggregate classification.